The following is an entry in ClinVar:

NM_020297.4(ABCC9):c.3604A>G (p.Thr1202Ala)

Genes: ABCC9 (ATP binding cassette subfamily C member 9; minus strand), KCNJ8-AS1 (KCNJ8 antisense RNA 1; plus strand). Cytogenetic location: 12p12.1.
Variant type: single nucleotide variant.
Coding change: c.3604A>G on transcript NM_020297.4 (MANE Select); coding-DNA position 3604, A replaced by G.
Protein change: p.Thr1202Ala; replaces threonine 1202 with alanine.
Molecular consequence: missense variant.
Genome position (GRCh38, 1-based): chr12:21,829,023, T>C on the plus strand (A>G on the coding strand, the complement: ABCC9 is on the minus strand). VCF-style: chr12-21829023-T-C. GRCh37 (hg19) VCF-style: chr12-21981957-T-C.
Other names: p.T1202A:ACG>GCG; c.3604A>G, p.Thr1202Ala (NM_001377273.1, NM_005691.4); c.2737A>G, p.Thr913Ala (NM_001377274.1); short protein forms T1202A, T913A.
Identifiers: ClinVar variation 201612 (VCV000201612.2), dbSNP rs794728952, ClinGen allele CA308165.

ClinVar aggregate classification (germline): Uncertain significance (1 of 4 stars; one submission).

Submission:

GeneDx
Classification: Uncertain significance. Last evaluated: 2016-09-09. Review status: criteria provided, single submitter. Criteria: GeneDx Variant Classification (06012015). Collection method: clinical testing. Allele origin: germline. Affected: yes.
Comment: The T1202A variant in the ABCC9 gene has not been published as a pathogenic variant, nor has it been reported as a benign polymorphism to our knowledge. A different missense variant in the same residue (T1202M) has been reported in association with Cantu syndrome, supporting the functional importance of this residue. The T1202A variant was not observed in approximately 6,500 individuals of European and African American ancestry in the NHLBI Exome Sequencing Project, indicating it is not a common benign variant in these populations. The T1202A variant is a non-conservative amino acid substitution, which is likely to impact secondary protein structure as these residues differ in polarity, charge, size and/or other properties. This substitution occurs at a position in the ABC transmembrane type-1 2 domain that is conserved across species. In silico analysis predicts this variant is probably damaging to the protein structure/function. We interpret T1202A as a variant of unknown significance. The variant is found in ABCC9 panel(s).